The following is an entry in ClinVar:

ClinVar aggregate classification (germline): Pathogenic. Review status: criteria provided, multiple submitters, no conflicts (2 of 4 stars). 2 submissions from 2 submitters: Pathogenic (2). Last evaluated 2025-12-08.

Conditions:
Hereditary breast ovarian cancer syndrome. Also called: Hereditary breast and/or ovarian cancer syndrome; BRCA1- and BRCA2-Associated Hereditary Breast and Ovarian Cancer; Hereditary breast and ovarian cancer syndrome; Hereditary breast and ovarian cancer; Hereditary breast and ovarian cancer syndrome (HBOC); Breast and ovarian cancer. Identifiers: Orphanet 145, MedGen C0677776, MeSH D061325, MONDO:0003582. Disease mechanism: loss of function.
Breast-ovarian cancer, familial, susceptibility to, 1 (BROVCA1). Also called: BRCA1 Hereditary Breast and Ovarian Cancer; OVARIAN CANCER, SUSCEPTIBILITY TO. Identifiers: Orphanet 145, MedGen C2676676, MONDO:0011450, OMIM 604370. Disease mechanism: loss of function.

Submissions (2):

Institute of Human Genetics, University of Leipzig Medical Center
Classification: Pathogenic for Breast-ovarian cancer, familial, susceptibility to, 1. Last evaluated: 2025-12-08. Review status: criteria provided, single submitter. Criteria: ACMG Guidelines, 2015. Collection method: clinical testing. Allele origin: maternal. Inheritance: Autosomal dominant inheritance. Affected: yes.
Comment: Criteria applied: PVS1,PM5_STR,PM2_SUP

Labcorp Genetics (formerly Invitae), Labcorp
Classification: Pathogenic for Hereditary breast ovarian cancer syndrome. Last evaluated: 2024-08-08. Review status: criteria provided, single submitter. Criteria: Invitae Variant Classification Sherloc (09022015). Collection method: clinical testing. Allele origin: germline.
Comment: This sequence change creates a premature translational stop signal (p.Arg131Glufs*32) in the BRCA1 gene. It is expected to result in an absent or disrupted protein product. Loss-of-function variants in BRCA1 are known to be pathogenic (PMID: 20104584). This variant is not present in population databases (gnomAD no frequency). This variant has not been reported in the literature in individuals affected with BRCA1-related conditions. For these reasons, this variant has been classified as Pathogenic.

Literature cited by the submitters: PubMed 20104584 (cited by Labcorp Genetics (formerly Invitae), Labcorp).

NM_007294.4(BRCA1):c.391del (p.Arg131fs)

Gene: BRCA1 (BRCA1 DNA repair associated; minus strand). Cytogenetic location: 17q21.31.
Variant type: Deletion.
Coding change: c.391del on transcript NM_007294.4 (MANE Select); coding-DNA position 391, one base deleted (A; older notation c.391delA).
Protein change: p.Arg131fs; shifts the reading frame from arginine 131.
Molecular consequence: frameshift variant. On other transcripts: intron variant (2).
Genome position (GRCh38, 1-based): chr17:43,104,172, T deleted on the plus strand (A on the coding strand, the reverse complement: BRCA1 is on the minus strand). VCF-style (leftmost placement, unchanged base first): chr17-43104171-CT-C. GRCh37 (hg19) VCF-style: chr17-41256188-CT-C.
Other names: c.259del, p.Arg87fs (NM_001408451.1); c.250del, p.Arg84fs (NM_001408452.1, NM_001408453.1, NM_001408454.1 and 99 more transcripts); c.313del, p.Arg105fs (NM_001408476.1, NM_001407862.1, NM_001407874.1 and 21 more transcripts); c.181del, p.Arg61fs (NM_001408478.1, NM_001408479.1, NM_001408480.1 and 58 more transcripts); c.391del, p.Arg131fs (NM_007298.4, NM_007299.4, NM_007300.4 and 164 more transcripts); c.-218-9312del (NM_001407967.1, NM_001407966.1); c.10del, p.Arg4fs (NM_001407965.1, NM_001407959.1, NM_001407960.1 and 4 more transcripts); c.382del, p.Arg128fs (NM_001407646.1, NM_001407647.1, NM_001408408.1); short protein forms R61fs, R87fs, R105fs, R131fs, R84fs, R128fs, R4fs.
Identifiers: ClinVar variation 3653032 (VCV003653032.3).